The following is an entry in ClinVar:

NM_001001433.3(STX16):c.*183G>T

Genes: STX16 (syntaxin 16; plus strand), STX16-NPEPL1 (STX16-NPEPL1 readthrough (NMD candidate); plus strand). Cytogenetic location: 20q13.32.
Variant type: single nucleotide variant.
Coding change: c.*183G>T on transcript NM_001001433.3 (MANE Select); 183 bases downstream of the stop codon, G replaced by T.
Molecular consequence: 3 prime UTR variant. On other transcripts: non-coding transcript variant (3).
Genome position (GRCh38, 1-based): chr20:58,676,474, G>T. VCF-style: chr20-58676474-G-T. GRCh37 (hg19) VCF-style: chr20-57251530-G-T.
Other names: c.*183G>T (NM_001134772.3, NM_001134773.3, NM_001204868.2 and 1 more transcripts).
Identifiers: ClinVar variation 339063 (VCV000339063.9), dbSNP rs1052642, ClinGen allele CA10650060.

ClinVar aggregate classification (germline): Benign. Review status: criteria provided, multiple submitters, no conflicts (2 of 4 stars). 3 submissions from 3 submitters: Benign (3). Last evaluated 2021-05-16.

Conditions:
Pseudohypoparathyroidism type 1B (PHP1B). Also called: PHP IB; Pseudohypoparathyroidism Ib (PHP-Ib); Pseudohypoparathyroidism Type IB. Identifiers: Orphanet 94089, MedGen C1864100, MONDO:0011301, OMIM 603233.

Allele frequency attached by ClinVar (database versions not stated): 1000 Genomes Project 0.08746; 1000 Genomes Project 30x 0.08838; gnomAD 0.09986 and 0.10193; TOPMed 0.10182.
gnomAD v4.1: 47,811 of 573,878 alleles (8.3%); highest among the groups gnomAD compares: African/African-American, 16%; 2,406 homozygotes.

Submissions (3):

GeneDx
Classification: Benign. Last evaluated: 2021-05-16. Review status: criteria provided, single submitter. Criteria: GeneDx Variant Classification Process June 2021. Collection method: clinical testing. Allele origin: germline. Affected: yes.

Illumina Laboratory Services, Illumina
Classification: Benign for Pseudohypoparathyroidism type 1B. Last evaluated: 2018-01-13. Review status: criteria provided, single submitter. Criteria: ICSL Variant Classification Criteria 13 December 2019. Collection method: clinical testing. Allele origin: germline.
Comment: This variant was observed in the ICSL laboratory as part of a predisposition screen in an ostensibly healthy population. It had not been previously curated by ICSL or reported in the Human Gene Mutation Database (HGMD: prior to June 1st, 2018), and was therefore a candidate for classification through an automated scoring system. Utilizing variant allele frequency, disease prevalence and penetrance estimates, and inheritance mode, an automated score was calculated to assess if this variant is too frequent to cause the disease. Based on the score and internal cut-off values, a variant classified as benign is not then subjected to further curation. The score for this variant resulted in a classification of benign for this disease.

Breakthrough Genomics
Classification: Benign. Review status: criteria provided, single submitter. Criteria: ACMG Guidelines, 2015. Collection method: not provided. Allele origin: germline. Inheritance: Autosomal dominant inheritance. Affected: yes.